The following is an entry in ClinVar:

NM_000843.4(GRM6):c.107C>A (p.Ala36Glu)

Gene: GRM6 (glutamate metabotropic receptor 6; minus strand). Cytogenetic location: 5q35.3.
Variant type: single nucleotide variant.
Coding change: c.107C>A on transcript NM_000843.4 (MANE Select); coding-DNA position 107, C replaced by A.
Protein change: p.Ala36Glu; replaces alanine 36 with glutamic acid.
Molecular consequence: missense variant.
Genome position (GRCh38, 1-based): chr5:178,994,838, G>T on the plus strand (C>A on the coding strand, the complement: GRM6 is on the minus strand). VCF-style: chr5-178994838-G-T. GRCh37 (hg19) VCF-style: chr5-178421839-G-T.
Other names: short protein forms A36E.
Identifiers: ClinVar variation 1490116 (VCV001490116.8), dbSNP rs1268993874, ClinGen allele CA362437056.

ClinVar aggregate classification (germline): Uncertain significance (1 of 4 stars; one submission).

Submission:

Labcorp Genetics (formerly Invitae), Labcorp
Classification: Uncertain significance. Last evaluated: 2024-05-20. Review status: criteria provided, single submitter. Criteria: Invitae Variant Classification Sherloc (09022015). Collection method: clinical testing. Allele origin: germline.
Comment: This sequence change replaces alanine, which is neutral and non-polar, with glutamic acid, which is acidic and polar, at codon 36 of the GRM6 protein (p.Ala36Glu). This variant is not present in population databases (gnomAD no frequency). This variant has not been reported in the literature in individuals affected with GRM6-related conditions. ClinVar contains an entry for this variant (Variation ID: 1490116). Advanced modeling of protein sequence and biophysical properties (such as structural, functional, and spatial information, amino acid conservation, physicochemical variation, residue mobility, and thermodynamic stability) performed at Invitae indicates that this missense variant is not expected to disrupt GRM6 protein function with a negative predictive value of 80%. In summary, the available evidence is currently insufficient to determine the role of this variant in disease. Therefore, it has been classified as a Variant of Uncertain Significance.